The following is an entry in ClinVar:

ClinVar aggregate classification (germline): Uncertain significance (1 of 4 stars; one submission).

Conditions:
Myofibrillar myopathy 4. Also called: Zaspopathy (type). Identifiers: Orphanet 98912, MedGen C4721886, MONDO:0012277, OMIM 609452.

Submission:

Labcorp Genetics (formerly Invitae), Labcorp
Classification: Uncertain significance for Myofibrillar myopathy 4. Last evaluated: 2024-10-26. Review status: criteria provided, single submitter. Criteria: Invitae Variant Classification Sherloc (09022015). Collection method: clinical testing. Allele origin: germline.
Comment: The LDB3 gene has multiple clinically relevant transcripts. This variant occurs in alternate transcript NM_007078.3, and corresponds to NM_001080116.1:c.*10690dup in the primary transcript. This sequence change falls in intron 9 of the LDB3 gene. It does not directly change the encoded amino acid sequence of the LDB3 protein. This variant is not present in population databases (gnomAD no frequency). This variant has not been reported in the literature in individuals affected with LDB3-related conditions. Experimental studies and prediction algorithms are not available or were not evaluated, and the effect of this variant on mRNA splicing is currently unknown. In summary, the available evidence is currently insufficient to determine the role of this variant in disease. Therefore, it has been classified as a Variant of Uncertain Significance.

NM_007078.3(LDB3):c.1231+14dup

Gene: LDB3 (LIM domain binding 3; plus strand). Cytogenetic location: 10q23.2.
Variant type: Duplication.
Coding change: c.1231+14dup on transcript NM_007078.3 (MANE Select); 14 bases into the intron after coding-DNA position 1231, one base duplicated (C; older notation c.1231+14dupC).
Molecular consequence: intron variant.
Genome position (GRCh38, 1-based): chr10:86,710,064, C duplicated. VCF-style (leftmost placement, unchanged base first): chr10-86710063-G-GC. GRCh37 (hg19) VCF-style: chr10-88469820-G-GC.
Other names: c.1042+14dup (NM_001368064.1, NM_001368065.1); c.1246+14dup (NM_001171610.2); c.1090+14dup (NM_001368066.1); c.901+14dup (NM_001080114.2).
Identifiers: ClinVar variation 2744320 (VCV002744320.3), dbSNP rs2492777836, ClinGen allele CA2697558514.